The following is an entry in ClinVar:

NM_004364.5(CEBPA):c.145C>A (p.Pro49Thr)

Gene: CEBPA (CCAAT enhancer binding protein alpha; minus strand). Cytogenetic location: 19q13.11.
Variant type: single nucleotide variant.
Coding change: c.145C>A on transcript NM_004364.5 (MANE Select); coding-DNA position 145, C replaced by A.
Protein change: p.Pro49Thr; replaces proline 49 with threonine.
Molecular consequence: missense variant. On other transcripts: 5 prime UTR variant (1).
Genome position (GRCh38, 1-based): chr19:33,302,270, G>T on the plus strand (C>A on the coding strand, the complement: CEBPA is on the minus strand). VCF-style: chr19-33302270-G-T. GRCh37 (hg19) VCF-style: chr19-33793176-G-T.
Other names: c.-213C>A (NM_001285829.2); c.250C>A, p.Pro84Thr (NM_001287424.2); c.103C>A, p.Pro35Thr (NM_001287435.2); c.145C>A (NM_004364.3); short protein forms P49T, P35T, P84T.
Identifiers: ClinVar variation 1413697 (VCV001413697.11), dbSNP rs2145264153, ClinGen allele CA405275586.

ClinVar aggregate classification (germline): Uncertain significance. Review status: criteria provided, multiple submitters, no conflicts (2 of 4 stars). 2 submissions from 2 submitters: Uncertain significance (2). Last evaluated 2025-01-25.

Conditions:
Inborn genetic diseases. Identifiers: MedGen C0950123, MeSH D030342.
Acute myeloid leukemia (AML). Also called: Leukemia, acute myeloid, somatic; Leukemia, acute myelogenous, somatic; Acute myeloid leukemia, adult; AML adult; Acute non-lymphocytic leukemia; Acute granulocytic leukemia. Identifiers: Orphanet 519, MedGen C0023467, MeSH D015470, MONDO:0018874, OMIM 601626, HP:0004808. Disease mechanism: Constitutively activated FLT3.

Submissions (2):

Ambry Genetics
Classification: Uncertain significance for Inborn genetic diseases. Last evaluated: 2025-01-25. Review status: criteria provided, single submitter. Criteria: Ambry Variant Classification Scheme 2023. Collection method: clinical testing. Allele origin: germline.
Comment: The p.P49T variant (also known as c.145C>A), located in coding exon 1 of the CEBPA gene, results from a C to A substitution at nucleotide position 145. The proline at codon 49 is replaced by threonine, an amino acid with highly similar properties. This amino acid position is conserved. In addition, this alteration is predicted to be tolerated by in silico analysis. Based on the available evidence, the clinical significance of this variant remains unclear.

Labcorp Genetics (formerly Invitae), Labcorp
Classification: Uncertain significance for Acute myeloid leukemia. Last evaluated: 2023-10-13. Review status: criteria provided, single submitter. Criteria: Invitae Variant Classification Sherloc (09022015). Collection method: clinical testing. Allele origin: germline.
Comment: This sequence change replaces proline, which is neutral and non-polar, with threonine, which is neutral and polar, at codon 49 of the CEBPA protein (p.Pro49Thr). This variant is not present in population databases (gnomAD no frequency). This variant has not been reported in the literature in individuals affected with CEBPA-related conditions. ClinVar contains an entry for this variant (Variation ID: 1413697). Advanced modeling of protein sequence and biophysical properties (such as structural, functional, and spatial information, amino acid conservation, physicochemical variation, residue mobility, and thermodynamic stability) performed at Invitae indicates that this missense variant is not expected to disrupt CEBPA protein function. In summary, the available evidence is currently insufficient to determine the role of this variant in disease. Therefore, it has been classified as a Variant of Uncertain Significance.